The following is an entry in ClinVar:

NM_001360016.2(G6PD):c.595A>G (p.Ile199Val)

Gene: G6PD (glucose-6-phosphate dehydrogenase; minus strand). Cytogenetic location: Xq28.
Variant type: single nucleotide variant.
Coding change: c.595A>G on transcript NM_001360016.2 (MANE Select); coding-DNA position 595, A replaced by G.
Protein change: p.Ile199Val; replaces isoleucine 199 with valine.
Molecular consequence: missense variant.
Genome position (GRCh38, 1-based): chrX:154,534,387, T>C on the plus strand (A>G on the coding strand, the complement: G6PD is on the minus strand). VCF-style: chrX-154534387-T-C. GRCh37 (hg19) VCF-style: chrX-153762602-T-C.
Other names: G6PD Acores; G6PD Dagua; c.685A>G, p.Ile229Val (NM_000402.4); c.595A>G, p.Ile199Val (NM_001042351.3); short protein forms I199V, I229V.
Identifiers: ClinVar variation 1722699 (VCV001722699.6), dbSNP rs781865768, ClinGen allele CA10566208.

ClinVar aggregate classification (germline): Pathogenic. Review status: criteria provided, multiple submitters, no conflicts (2 of 4 stars). 2 submissions from 2 submitters: Pathogenic (2). Last evaluated 2026-01-27.

Conditions:
Anemia, nonspherocytic hemolytic, due to G6PD deficiency (CNSHA1). Also called: ANEMIA, CONGENITAL, NONSPHEROCYTIC HEMOLYTIC, 1; Class I glucose-6-phosphate dehydrogenase deficiency; Favism, susceptibility to; Hemolytic anemia due to G6PD deficiency. Identifiers: Orphanet 466026, MedGen C2720289, MONDO:0010480, OMIM 300908.

Allele frequency attached by ClinVar (database versions not stated): gnomAD exomes below 0.00001; 1000 Genomes Project 30x 0.00021; 1000 Genomes Project 0.00026; ExAC 0.00002.

Submissions (2):

Labcorp Genetics (formerly Invitae), Labcorp
Classification: Pathogenic for Anemia, nonspherocytic hemolytic, due to G6PD deficiency. Last evaluated: 2026-01-27. Review status: criteria provided, single submitter. Criteria: Invitae Variant Classification Sherloc (09022015). Collection method: clinical testing. Allele origin: germline.
Comment: This sequence change replaces isoleucine, which is neutral and non-polar, with valine, which is neutral and non-polar, at codon 199 of the G6PD protein (p.Ile199Val). This variant is present in population databases (rs781865768, gnomAD 0.01%). This missense change has been observed in individuals with glucose-6-phosphate dehydrogenase deficiency (PMID: 18056001, 25536053, 38645242). ClinVar contains an entry for this variant (Variation ID: 1722699). Invitae Evidence Modeling of protein sequence and biophysical properties (such as structural, functional, and spatial information, amino acid conservation, physicochemical variation, residue mobility, and thermodynamic stability) indicates that this missense variant is expected to disrupt G6PD protein function with a positive predictive value of 95%. Experimental studies have shown that this missense change affects G6PD function (PMID: 16193512, 38645242). For these reasons, this variant has been classified as Pathogenic.

Dunham Lab, University of Washington
Classification: Pathogenic for Anemia, nonspherocytic hemolytic, due to G6PD deficiency. Last evaluated: 2024-09-01. Review status: criteria provided, single submitter. Criteria: ACMG Guidelines, 2015. Collection method: curation, in vitro. Allele origin: unknown, not applicable. Affected: yes.
Comment: Reduced activity in functional assay (PS3). Predicted to have decreased function (PP3). Located in substrate binding site (PM1) and very low frequency in gnomAD (PM2).

Literature cited by the submitters: PubMed 18056001 (cited by Labcorp Genetics (formerly Invitae), Labcorp and Dunham Lab, University of Washington); PubMed 25536053 (cited by Labcorp Genetics (formerly Invitae), Labcorp); PubMed 38645242 (cited by Labcorp Genetics (formerly Invitae), Labcorp); PubMed 16193512 (cited by Labcorp Genetics (formerly Invitae), Labcorp and Dunham Lab, University of Washington); DOI 10.2149/tmh.2008-13 (cited by Dunham Lab, University of Washington).